The following is an entry in ClinVar:

ClinVar aggregate classification (germline): Benign. Review status: criteria provided, multiple submitters, no conflicts (2 of 4 stars). 3 submissions from 3 submitters: Benign (3). Last evaluated 2026-05-01.

Allele frequency attached by ClinVar (database versions not stated): 1000 Genomes Project 0.00399; 1000 Genomes Project 30x 0.00437; gnomAD 0.00802 and 0.00830; ExAC 0.00835; TOPMed 0.00841; ESP Exome Variant Server 0.00992.
gnomAD v4.1: 17,108 of 1,614,144 alleles (1.1%); highest among the groups gnomAD compares: Non-Finnish European, 1.2%; 113 homozygotes.

Submissions (3):

CeGaT Center for Human Genetics Tuebingen
Classification: Benign. Last evaluated: 2026-05-01. Review status: criteria provided, single submitter. Criteria: CeGaT Center For Human Genetics Tuebingen Variant Classification Criteria Version 2. Collection method: clinical testing. Allele origin: germline. Affected: yes. Observed: 4 variant alleles.
Comment: PLCG1: BP4, BP7, BS1, BS2

Labcorp Genetics (formerly Invitae), Labcorp
Classification: Benign. Last evaluated: 2018-08-10. Review status: criteria provided, single submitter. Criteria: Invitae Variant Classification Sherloc (09022015). Collection method: clinical testing. Allele origin: germline.

Breakthrough Genomics
Classification: Benign. Review status: criteria provided, single submitter. Criteria: ACMG Guidelines, 2015. Collection method: not provided. Allele origin: germline. Inheritance: Unknown mechanism. Affected: yes.

NM_002660.3(PLCG1):c.1851G>A (p.Gly617=)

Gene: PLCG1 (phospholipase C gamma 1; plus strand). Cytogenetic location: 20q12.
Variant type: single nucleotide variant.
Coding change: c.1851G>A on transcript NM_002660.3 (MANE Select); coding-DNA position 1851, G replaced by A.
Protein change: p.Gly617=; no amino-acid change (glycine 617 retained).
Molecular consequence: synonymous variant.
Genome position (GRCh38, 1-based): chr20:41,166,245, G>A. VCF-style: chr20-41166245-G-A. GRCh37 (hg19) VCF-style: chr20-39794885-G-A.
Other names: c.1851G>A, p.Gly617= (NM_182811.2).
Identifiers: ClinVar variation 789125 (VCV000789125.17), dbSNP rs35256607, ClinGen allele CA9858985.